The following is an entry in ClinVar:

NM_002691.4(POLD1):c.36G>A (p.Gly12=)

Gene: POLD1 (DNA polymerase delta 1, catalytic subunit; plus strand). Cytogenetic location: 19q13.33.
Variant type: single nucleotide variant.
Coding change: c.36G>A on transcript NM_002691.4 (MANE Select); coding-DNA position 36, G replaced by A.
Protein change: p.Gly12=; no amino-acid change (glycine 12 retained).
Molecular consequence: synonymous variant. On other transcripts: non-coding transcript variant (1).
Genome position (GRCh38, 1-based): chr19:50,398,887, G>A. VCF-style: chr19-50398887-G-A. GRCh37 (hg19) VCF-style: chr19-50902144-G-A.
Other names: c.36G>A, p.Gly12= (NM_001256849.1, NM_001308632.1).
Identifiers: ClinVar variation 761379 (VCV000761379.15), dbSNP rs775717328, ClinGen allele CA9595589.

ClinVar aggregate classification (germline): Conflicting classifications of pathogenicity. Review status: criteria provided, conflicting classifications (1 of 4 stars). 4 submissions from 4 submitters: Uncertain significance (1); Likely benign (3). Last evaluated 2025-12-14.

Conditions:
Hereditary cancer-predisposing syndrome. Also called: Hereditary Cancer Syndrome; Hereditary neoplastic syndrome; Neoplastic Syndromes, Hereditary; Tumor predisposition. Identifiers: Orphanet 140162, MedGen C0027672, MeSH D009386, MONDO:0015356.
POLD1-related polyposis and colorectal cancer syndrome (CRCS10). Also called: Colorectal cancer, susceptibility to, 10; Colorectal cancer 10; COLORECTAL CANCER, SUSCEPTIBILITY TO, ON CHROMOSOME 19q. Identifiers: Orphanet 220460, MedGen C2675481, MONDO:0012953, OMIM 612591.

Allele frequency attached by ClinVar (database versions not stated): gnomAD exomes below 0.00001; ExAC 0.00001; gnomAD 0.00001; TOPMed 0.00002.
gnomAD v4.1: 3 of 1,607,124 alleles (0.00019%); highest among the groups gnomAD compares: African/African-American, 0.0027%; no homozygotes.

Submissions (4):

Labcorp Genetics (formerly Invitae), Labcorp
Classification: Likely benign for POLD1-related polyposis and colorectal cancer syndrome. Last evaluated: 2025-12-14. Review status: criteria provided, single submitter. Criteria: Invitae Variant Classification Sherloc (09022015). Collection method: clinical testing. Allele origin: germline.

Blueprint Genetics
Classification: Likely benign. Last evaluated: 2022-07-13. Review status: criteria provided, single submitter. Criteria: ACMG Guidelines, 2015. Collection method: clinical testing. Allele origin: germline.

GeneDx
Classification: Uncertain significance. Last evaluated: 2019-10-09. Review status: criteria provided, single submitter. Criteria: GeneDx Variant Classification Process June 2021. Collection method: clinical testing. Allele origin: germline. Affected: yes.
Comment: In silico analysis, which includes splice predictors and evolutionary conservation, supports that this variant does not alter protein structure/function; Has not been previously published as pathogenic or benign to our knowledge; Adequate data are not available in large population cohorts to assess the frequency of this variant in publicly available databases

Ambry Genetics
Classification: Likely benign for Hereditary cancer-predisposing syndrome. Last evaluated: 2018-03-05. Review status: criteria provided, single submitter. Criteria: Ambry Variant Classification Scheme 2023. Collection method: clinical testing. Allele origin: germline.